The following is an entry in ClinVar:

ClinVar aggregate classification (germline): Pathogenic. Review status: criteria provided, multiple submitters, no conflicts (2 of 4 stars). 4 submissions from 4 submitters: Pathogenic (4). Last evaluated 2024-12-12.

Conditions:
Neurodevelopmental disorder with hypotonia, stereotypic hand movements, and impaired language. Also called: Intellectual disability, autosomal dominant 20. Identifiers: Orphanet 228384, Orphanet 664410, MedGen C3150700, MONDO:0013266, OMIM 613443.

Submissions (4):

Dasa
Classification: Pathogenic. Last evaluated: 2024-12-12. Review status: criteria provided, single submitter. Criteria: DASA Assertion Criteria. Collection method: clinical testing. Allele origin: germline.
Comment: NM_002397.5(MEF2C):c.44G>C (p.Arg15Pro) introduces an arginine-to-proline substitution at a residue with other pathogenic substitutions. The variant has been reported as de novo in individuals with MEF2C-related neurodevelopmental disorder (PMID: 34055696) and is absent or present at very low frequency in population datasets. Based on the available data, this variant is classified as pathogenic.

Victorian Clinical Genetics Services, Murdoch Childrens Research Institute
Classification: Pathogenic for Neurodevelopmental disorder with hypotonia, stereotypic hand movements, and impaired language. Last evaluated: 2024-10-11. Review status: criteria provided, single submitter. Criteria: ACMG Guidelines, 2015. Collection method: clinical testing. Allele origin: germline. Inheritance: Autosomal dominant inheritance. Affected: yes.
Comment: Based on the classification scheme VCGS_Germline_v1.3.5, this variant is classified as Pathogenic. Following criteria are met: 0102 - Loss of function is a known mechanism of disease in this gene and is associated with neurodevelopmental disorder with hypotonia, stereotypic hand movements, and impaired language (MIM#613443). (I) 0107 - This gene is associated with autosomal dominant disease. (I) 0200 - Variant is predicted to result in a missense amino acid change from arginine to proline. (I) 0251 - This variant is heterozygous. (I) 0301 - Variant is absent from gnomAD (v2, v3 and v4). (SP) 0501 - Missense variant consistently predicted to be damaging by multiple in silico tools or highly conserved with a major amino acid change. (SP) 0600 - Variant is located in the annotated SRF-TF domain (DECIPHER). (I) 0702 - Other missense variants comparable to the one identified in this case have strong previous evidence for pathogenicity. Two alternative changes, p.(Arg15Cys) and p.(Arg15His), have been classified as likely pathogenic/pathogenic multiple times by clinical laboratories and have been reported in individuals with autism spectrum disorder and/or mild intellectual disability (ClinVar, PMIDs: 36881370, 30679432, 30504930, 26633542). p.(Arg15His) and p.(Arg15Gly) have also been reported as VUS by clinical laboratories in ClinVar. (SP) 0801 - This variant has strong previous evidence of pathogenicity in unrelated individuals. This variant has been classified as pathogenic by a clinical laboratory in ClinVar and has been reported in two de novo individuals with MEF2C-related features (DECIPHER, PMID: 34055696). (SP) 0905 - No published segregation evidence has been identified for this variant. (I) 1007 - No published functional evidence has been identified for this variant. (I) 1208 - Inheritance information for this variant is not currently available in this individual. (I) Legend: (SP) - Supporting pathogenic, (I) - Information, (SB) - Supporting benign

GeneDx
Classification: Pathogenic. Last evaluated: 2024-10-05. Review status: criteria provided, single submitter. Criteria: GeneDx Variant Classification Process June 2021. Collection method: clinical testing. Allele origin: germline. Affected: yes.
Comment: Not observed at significant frequency in large population cohorts (gnomAD); In silico analysis supports that this missense variant has a deleterious effect on protein structure/function; This variant is associated with the following publications: (PMID: 31785789, 33951346, 34022131, 35982159, 33057194, 34055696)

Mendelics
Classification: Pathogenic for Neurodevelopmental disorder with hypotonia, stereotypic hand movements, and impaired language. Last evaluated: 2022-05-04. Review status: criteria provided, single submitter. Criteria: Mendelics Assertion Criteria 2019. Collection method: clinical testing. Allele origin: germline.

Literature cited by the submitters: PubMed 34055696 (cited by Dasa and Victorian Clinical Genetics Services, Murdoch Childrens Research Institute); PubMed 26633542 (cited by Victorian Clinical Genetics Services, Murdoch Childrens Research Institute); PubMed 30504930 (cited by Victorian Clinical Genetics Services, Murdoch Childrens Research Institute); PubMed 30679432 (cited by Victorian Clinical Genetics Services, Murdoch Childrens Research Institute); PubMed 36881370 (cited by Victorian Clinical Genetics Services, Murdoch Childrens Research Institute).

NM_002397.5(MEF2C):c.44G>C (p.Arg15Pro)

Gene: MEF2C (myocyte enhancer factor 2C; minus strand). Cytogenetic location: 5q14.3.
Variant type: single nucleotide variant.
Coding change: c.44G>C on transcript NM_002397.5 (MANE Select); coding-DNA position 44, G replaced by C.
Protein change: p.Arg15Pro; replaces arginine 15 with proline.
Molecular consequence: missense variant.
Genome position (GRCh38, 1-based): chr5:88,823,745, C>G on the plus strand (G>C on the coding strand, the complement: MEF2C is on the minus strand). VCF-style: chr5-88823745-C-G. GRCh37 (hg19) VCF-style: chr5-88119562-C-G.
Other names: c.44G>C, p.Arg15Pro (NM_001131005.2, NM_001193347.1, NM_001193348.1 and 29 more transcripts); c.44G>C (NM_002397.4, NM_002397.3); short protein forms R15P.
Identifiers: ClinVar variation 1685944 (VCV001685944.4), dbSNP rs1202957297, ClinGen allele CA360425269.